The following is an entry in ClinVar:

ClinVar aggregate classification (germline): Uncertain significance (1 of 4 stars; one submission).

Allele frequency attached by ClinVar (database versions not stated): gnomAD 0.00001; gnomAD exomes 0.00001; ExAC 0.00002.
gnomAD v4.1: 13 of 1,613,996 alleles (0.00081%); highest among the groups gnomAD compares: African/African-American, 0.0027%; no homozygotes.

Submission:

Labcorp Genetics (formerly Invitae), Labcorp
Classification: Uncertain significance. Last evaluated: 2022-11-23. Review status: criteria provided, single submitter. Criteria: Invitae Variant Classification Sherloc (09022015). Collection method: clinical testing. Allele origin: germline.
Comment: In summary, the available evidence is currently insufficient to determine the role of this variant in disease. Therefore, it has been classified as a Variant of Uncertain Significance. Algorithms developed to predict the effect of missense changes on protein structure and function are either unavailable or do not agree on the potential impact of this missense change (SIFT: "Deleterious"; PolyPhen-2: "Probably Damaging"; Align-GVGD: "Class C0"). This variant has not been reported in the literature in individuals affected with SON-related conditions. This variant is present in population databases (rs749946587, gnomAD 0.008%). This sequence change replaces arginine, which is basic and polar, with histidine, which is basic and polar, at codon 1763 of the SON protein (p.Arg1763His).

NM_138927.4(SON):c.5288G>A (p.Arg1763His)

Gene: SON (SON DNA and RNA binding protein; plus strand). Cytogenetic location: 21q22.11.
Variant type: single nucleotide variant.
Coding change: c.5288G>A on transcript NM_138927.4 (MANE Select); coding-DNA position 5288, G replaced by A.
Protein change: p.Arg1763His; replaces arginine 1763 with histidine.
Molecular consequence: missense variant. On other transcripts: non-coding transcript variant (1), intron variant (1).
Genome position (GRCh38, 1-based): chr21:33,554,519, G>A. VCF-style: chr21-33554519-G-A. GRCh37 (hg19) VCF-style: chr21-34926825-G-A.
Other names: c.5288G>A, p.Arg1763His (NM_001291411.2, NM_001412133.1, NM_032195.3 and 2 more transcripts); c.245-2637G>A (NM_001291412.3); short protein forms R1763H.
Identifiers: ClinVar variation 3001712 (VCV003001712.3), dbSNP rs749946587, ClinGen allele CA10009705.